The following is an entry in ClinVar:

NM_001291303.3(FAT4):c.4496A>G (p.Asn1499Ser)

Gene: FAT4 (FAT atypical cadherin 4; plus strand). Cytogenetic location: 4q28.1.
Variant type: single nucleotide variant.
Coding change: c.4496A>G on transcript NM_001291303.3 (MANE Select); coding-DNA position 4496, A replaced by G.
Protein change: p.Asn1499Ser; replaces asparagine 1499 with serine.
Molecular consequence: missense variant.
Genome position (GRCh38, 1-based): chr4:125,320,907, A>G. VCF-style: chr4-125320907-A-G. GRCh37 (hg19) VCF-style: chr4-126242062-A-G.
Other names: c.4496A>G, p.Asn1499Ser (NM_001291285.3, NM_024582.6); short protein forms N1499S.
Identifiers: ClinVar variation 1516212 (VCV001516212.5), dbSNP rs1241928722, ClinGen allele CA358126645.

ClinVar aggregate classification (germline): Uncertain significance (1 of 4 stars; one submission).

Allele frequency attached by ClinVar (database versions not stated): TOPMed below 0.00001; gnomAD exomes 0.00001.
gnomAD v4.1: 21 of 1,614,212 alleles (0.0013%); highest among the groups gnomAD compares: East Asian, 0.0022%; no homozygotes.

Submission:

Labcorp Genetics (formerly Invitae), Labcorp
Classification: Uncertain significance. Last evaluated: 2022-07-19. Review status: criteria provided, single submitter. Criteria: Invitae Variant Classification Sherloc (09022015). Collection method: clinical testing. Allele origin: germline.
Comment: This variant has not been reported in the literature in individuals affected with FAT4-related conditions. This variant is not present in population databases (gnomAD no frequency). This sequence change replaces asparagine, which is neutral and polar, with serine, which is neutral and polar, at codon 1499 of the FAT4 protein (p.Asn1499Ser). ClinVar contains an entry for this variant (Variation ID: 1516212). In summary, the available evidence is currently insufficient to determine the role of this variant in disease. Therefore, it has been classified as a Variant of Uncertain Significance. Advanced modeling of protein sequence and biophysical properties (such as structural, functional, and spatial information, amino acid conservation, physicochemical variation, residue mobility, and thermodynamic stability) performed at Invitae indicates that this missense variant is not expected to disrupt FAT4 protein function.